The following is an entry in ClinVar:

NM_176787.5(PIGN):c.804G>C (p.Trp268Cys)

Gene: PIGN (phosphatidylinositol glycan anchor biosynthesis class N; minus strand). Cytogenetic location: 18q21.33.
Variant type: single nucleotide variant.
Coding change: c.804G>C on transcript NM_176787.5 (MANE Select); coding-DNA position 804, G replaced by C.
Protein change: p.Trp268Cys; replaces tryptophan 268 with cysteine.
Molecular consequence: missense variant.
Genome position (GRCh38, 1-based): chr18:62,146,972, C>G on the plus strand (G>C on the coding strand, the complement: PIGN is on the minus strand). VCF-style: chr18-62146972-C-G. GRCh37 (hg19) VCF-style: chr18-59814205-C-G.
Other names: c.804G>C, p.Trp268Cys (NM_012327.6); short protein forms W268C.
Identifiers: ClinVar variation 378362 (VCV000378362.2), dbSNP rs1057520345, ClinGen allele CA16608782.
Genomic context (GRCh38, chr18:62,146,972, plus strand): 5'-CCAGCTACATTTATCACTACTTTAATTGTAAGGTACATATCAATTAAAGACACACTAACC[C>G]CAGTCTGTCATTCCATGGTCAGAGGTAAAGATAAATGTTGTTTTCCCATCATTTCCATAG-3'
Protein context (NP_789744.1, residues 258-278): IFTSDHGMTD[Trp268Cys]GSHGAGHPSE

ClinVar aggregate classification (germline): Uncertain significance (1 of 4 stars; one submission).

Allele frequency attached by ClinVar (database versions not stated): gnomAD exomes 0.00001.
gnomAD v4.1: 8 of 1,611,232 alleles (0.0005%); highest among the groups gnomAD compares: Non-Finnish European, 0.00068%; no homozygotes.

Submission:

GeneDx
Classification: Uncertain significance. Last evaluated: 2016-03-29. Review status: criteria provided, single submitter. Criteria: GeneDx Variant Classification (06012015). Collection method: clinical testing. Allele origin: germline. Affected: yes.
Comment: The W268C variant in the PIGN gene has not been reported previously as a pathogenic variant, nor as a benign variant, to our knowledge. The W268C variant was not observed in approximately 5900 individuals of European and African American ancestry in the NHLBI Exome Sequencing Project, indicating it is not a common benign variant in these populations. The W268C variant is a non-conservative amino acid substitution, which is likely to impact secondary protein structure as these residues differ in polarity, charge, size and/or other properties. This substitution occurs at a position that is conserved across species. In silico analysis predicts this variant is probably damaging to the protein structure/function. A missense variant in a nearby residue (S270P) has been reported in the Human Gene Mutation Database in association with a PIGN-related disorder (Stenson et al., 2014), supporting the functional importance of this region of the protein. Based on review of the data in the context of the 2015 ACMG standards and guidelines for the interpretation of sequence variants (Richards et al., 2015), we now interpret W268C as a variant of uncertain significance.